The following is an entry in ClinVar:

NM_001378454.1(ALMS1):c.5903C>A (p.Ser1968Ter)

Gene: ALMS1 (ALMS1 centrosome and basal body associated protein; plus strand). Cytogenetic location: 2p13.1.
Variant type: single nucleotide variant.
Coding change: c.5903C>A on transcript NM_001378454.1 (MANE Select); coding-DNA position 5903, C replaced by A.
Protein change: p.Ser1968Ter; replaces serine 1968 with a stop codon.
Molecular consequence: nonsense.
Genome position (GRCh38, 1-based): chr2:73,452,430, C>A. VCF-style: chr2-73452430-C-A. GRCh37 (hg19) VCF-style: chr2-73679557-C-A.
Other names: c.5906C>A, p.Ser1969Ter (NM_015120.4); short protein forms S1968*, S1969*.
Identifiers: ClinVar variation 1726589 (VCV001726589.2), dbSNP rs1490127694, ClinGen allele CA347283851.

ClinVar aggregate classification (germline): Likely pathogenic (1 of 4 stars; one submission).

Conditions:
Alstrom syndrome (ALMS). Identifiers: Orphanet 64, MedGen C0268425, MONDO:0008763, OMIM 203800.

Submission:

Myriad Genetics, Inc.
Classification: Likely pathogenic for Alstrom syndrome. Last evaluated: 2021-12-27. Review status: criteria provided, single submitter. Criteria: Myriad Women's Health Autosomal Recessive and X-Linked Classification Criteria (2021). Collection method: clinical testing. Allele origin: unknown.
Comment: NM_015120.4(ALMS1):c.5906C>A(S1969*) is expected to be pathogenic in the context of Alstrom syndrome. This variant is predicted to lead to an abnormal or absent protein product due to the creation of a premature termination codon in ALMS1, a gene where loss-of-function variants are known to be pathogenic. Please note: this variant was assessed in the context of healthy population screening.